The following is an entry in ClinVar:

NM_001018005.2(TPM1):c.608A>T (p.Asn203Ile)

Gene: TPM1 (tropomyosin 1; plus strand). Cytogenetic location: 15q22.2.
Variant type: single nucleotide variant.
Coding change: c.608A>T on transcript NM_001018005.2 (MANE Select); coding-DNA position 608, A replaced by T.
Protein change: p.Asn203Ile; replaces asparagine 203 with isoleucine.
Molecular consequence: missense variant. On other transcripts: non-coding transcript variant (16), intron variant (21).
Genome position (GRCh38, 1-based): chr15:63,061,757, A>T. VCF-style: chr15-63061757-A-T. GRCh37 (hg19) VCF-style: chr15-63353956-A-T.
Other names: c.608A>T, p.Asn203Ile (NM_001018004.2, NM_001018007.2, NM_001301244.2 and 7 more transcripts); c.500A>T, p.Asn167Ile (NM_001018008.2, NM_001301289.2, NM_001330346.2 and 3 more transcripts); c.734A>T, p.Asn245Ile (NM_001365778.1, NM_001407324.1); c.640-458A>T (NM_001407336.1, NM_001018020.2, NM_001407326.1 and 10 more transcripts); c.766-458A>T (NM_001407323.1, NM_001407322.1); c.532-458A>T (NM_001330351.2, NM_001330344.2, NM_001365781.2 and 3 more transcripts); short protein forms N167I, N203I, N245I.
Identifiers: ClinVar variation 3074430 (VCV003074430.2), dbSNP rs2542830367, ClinGen allele CA392724230.

ClinVar aggregate classification (germline): Uncertain significance. Review status: criteria provided, multiple submitters, no conflicts (2 of 4 stars). 2 submissions from 2 submitters: Uncertain significance (2). Last evaluated 2025-06-11.

Conditions:
Hypertrophic cardiomyopathy. Also called: HYPERTROPHIC MYOCARDIOPATHY. Identifiers: Orphanet 217569, MedGen C0007194, MeSH D002312, MONDO:0005045, HP:0001639.

Submissions (2):

Labcorp Genetics (formerly Invitae), Labcorp
Classification: Uncertain significance for Hypertrophic cardiomyopathy. Last evaluated: 2025-06-11. Review status: criteria provided, single submitter. Criteria: Invitae Variant Classification Sherloc (09022015). Collection method: clinical testing. Allele origin: germline.
Comment: This sequence change replaces asparagine, which is neutral and polar, with isoleucine, which is neutral and non-polar, at codon 203 of the TPM1 protein (p.Asn203Ile). This variant is not present in population databases (gnomAD no frequency). This variant has not been reported in the literature in individuals affected with TPM1-related conditions. ClinVar contains an entry for this variant (Variation ID: 3074430). An algorithm developed to predict the effect of missense changes on protein structure and function (PolyPhen-2) suggests that this variant is likely to be tolerated. In summary, the available evidence is currently insufficient to determine the role of this variant in disease. Therefore, it has been classified as a Variant of Uncertain Significance.

All of Us Research Program, National Institutes of Health
Classification: Uncertain significance for Hypertrophic cardiomyopathy. Last evaluated: 2023-12-01. Review status: criteria provided, single submitter. Criteria: ACMG Guidelines, 2015. Collection method: clinical testing. Allele origin: germline. Inheritance: Autosomal dominant inheritance. Observed: 1 variant allele, 1 heterozygote.
Comment: This study involves interpretation of variants in research participants for the purpose of population health screening. Participant phenotype was not available at the time of variant classification. Additional details can be found in publication PMID: 35346344, PMCID: PMC8962531